The following is an entry in ClinVar:

NM_000020.3(ACVRL1):c.1044_1048+4dup

Gene: ACVRL1 (activin A receptor like type 1; plus strand). Cytogenetic location: 12q13.13.
Variant type: Duplication.
Coding change: c.1044_1048+4dup on transcript NM_000020.3 (MANE Select); coding-DNA position 1044 through 4 bases into the intron after coding-DNA position 1048, 9 bases duplicated (CCTGGGTGA; older notation c.1044_1048+4dupCCTGGGTGA).
Molecular consequence: splice donor variant.
Genome position (GRCh38, 1-based): chr12:51,915,496-51,915,504, CCTGGGTGA duplicated; duplicating any 9 consecutive bases within chr12:51,915,494-51,915,504 gives the same sequence; the c. name uses the placement nearest the transcript's 3' end. VCF-style (leftmost placement, unchanged base first): chr12-51915493-C-CGACCTGGGT. GRCh37 (hg19) VCF-style: chr12-52309277-C-CGACCTGGGT.
Other names: c.1044_1048+4dup (NM_001077401.2).
Identifiers: ClinVar variation 1999722 (VCV001999722.4), dbSNP rs2540165019, ClinGen allele CA2580086489.
Genomic context (GRCh38, chr12:51,915,493, plus strand): 5'-CCACCGCGACTTCAAGAGCCGCAATGTGCTGGTCAAGAGCAACCTGCAGTGTTGCATCGC[C>CGACCTGGGT]GACCTGGGTGAGCCGGGCGGGGCAGGGGCGCGCCCTTCACAGGTGGGCGGAGCTTGTGCG-3'

ClinVar aggregate classification (germline): Uncertain significance (1 of 4 stars; one submission).

Conditions:
Telangiectasia, hereditary hemorrhagic, type 2 (HHT2). Also called: ACVRL1-Related Hereditary Hemorrhagic Telangiectasia; Telangiectasia, hereditary hemorrhagic, type II. Identifiers: Orphanet 774, MedGen C1838163, MONDO:0010880, OMIM 600376. Disease mechanism: loss of function.

Submission:

Labcorp Genetics (formerly Invitae), Labcorp
Classification: Uncertain significance for Telangiectasia, hereditary hemorrhagic, type 2. Last evaluated: 2023-08-17. Review status: criteria provided, single submitter. Criteria: Invitae Variant Classification Sherloc (09022015). Collection method: clinical testing. Allele origin: germline.
Comment: This variant is not present in population databases (gnomAD no frequency). In summary, the available evidence is currently insufficient to determine the role of this variant in disease. Therefore, it has been classified as a Variant of Uncertain Significance. Variants that disrupt the consensus splice site are a relatively common cause of aberrant splicing (PMID: 17576681, 9536098). Algorithms developed to predict the effect of sequence changes on RNA splicing suggest that this variant is not likely to affect RNA splicing. ClinVar contains an entry for this variant (Variation ID: 1999722). This variant has been observed in individual(s) with hereditary hemorrhagic telangiectasia (Invitae). This sequence change falls in intron 7 of the ACVRL1 gene. It does not directly change the encoded amino acid sequence of the ACVRL1 protein. It affects a nucleotide within the consensus splice site.

Literature cited by the submitters: PubMed 17576681; PubMed 9536098.